The following is an entry in ClinVar:

NM_001035.3(RYR2):c.1962-15C>G

Gene: RYR2 (ryanodine receptor 2; plus strand). Cytogenetic location: 1q43.
Variant type: single nucleotide variant.
Coding change: c.1962-15C>G on transcript NM_001035.3 (MANE Select); 15 bases into the intron before coding-DNA position 1962, C replaced by G.
Molecular consequence: intron variant.
Genome position (GRCh38, 1-based): chr1:237,496,496, C>G. VCF-style: chr1-237496496-C-G. GRCh37 (hg19) VCF-style: chr1-237659796-C-G.
Identifiers: ClinVar variation 2774254 (VCV002774254.2), dbSNP rs1407220943, ClinGen allele CA2697547722.
Genomic context (GRCh38, chr1:237,496,496, plus strand): 5'-AATTGTGAGATGTAAATGAAAACAATGAAAGGTTTTTTTGGACTTTCCTTACATGTGATT[C>G]CCGTCTCTTTAAAGCATGAGACCCAATATTTTTCTGGGCGTCAGTGAAGGTTCTGCTCAG-3'

ClinVar aggregate classification (germline): Uncertain significance (1 of 4 stars; one submission).

Conditions:
Cardiomyopathy (CMYO). Also called: Cardiomyopathies. Identifiers: Orphanet 167848, MedGen C0878544, MONDO:0004994, HP:0001638. Inheritance: Various modes of inheritance.

Submission:

Color Diagnostics, LLC DBA Color Health
Classification: Uncertain significance for Cardiomyopathy. Last evaluated: 2023-04-24. Review status: criteria provided, single submitter. Criteria: ACMG Guidelines, 2015. Collection method: clinical testing. Allele origin: germline.
Comment: This variant causes a C to G nucleotide substitution at the -15 position of intron 19 of the RYR2 gene. To our knowledge, functional studies have not been reported for this variant. This variant has not been reported in individuals affected with RYR2-related disorders in the literature. This variant has not been identified in the general population by the Genome Aggregation Database (gnomAD). The available evidence is insufficient to determine the role of this variant in disease conclusively. Therefore, this variant is classified as a Variant of Uncertain Significance.